The following is an entry in ClinVar:

NM_015164.4(PLEKHM2):c.1663C>T (p.Arg555Ter)

Gene: PLEKHM2 (pleckstrin homology and RUN domain containing M2; plus strand). Cytogenetic location: 1p36.21.
Variant type: single nucleotide variant.
Coding change: c.1663C>T on transcript NM_015164.4 (MANE Select); coding-DNA position 1663, C replaced by T.
Protein change: p.Arg555Ter; replaces arginine 555 with a stop codon.
Molecular consequence: nonsense.
Genome position (GRCh38, 1-based): chr1:15,727,735, C>T. VCF-style: chr1-15727735-C-T. GRCh37 (hg19) VCF-style: chr1-16054230-C-T.
Other names: short protein forms R555*.
Identifiers: ClinVar variation 939470 (VCV000939470.7), dbSNP rs1377708613, ClinGen allele CA338588128.

ClinVar aggregate classification (germline): Uncertain significance (1 of 4 stars; one submission).

Allele frequency attached by ClinVar (database versions not stated): gnomAD exomes below 0.00001; gnomAD 0.00001; TOPMed 0.00001.
gnomAD v4.1: 6 of 1,600,624 alleles (0.00037%); highest among the groups gnomAD compares: East Asian, 0.0023%; no homozygotes.

Submission:

Labcorp Genetics (formerly Invitae), Labcorp
Classification: Uncertain significance. Last evaluated: 2020-02-21. Review status: criteria provided, single submitter. Criteria: Invitae Variant Classification Sherloc (09022015). Collection method: clinical testing. Allele origin: germline.
Comment: This sequence change creates a premature translational stop signal (p.Arg555*) in the PLEKHM2 gene. It is expected to result in an absent or disrupted protein product. This variant is not present in population databases (ExAC no frequency). This variant has not been reported in the literature in individuals with PLEKHM2-related conditions. Algorithms developed to predict the effect of sequence changes on RNA splicing suggest that this variant may create or strengthen a splice site, but this prediction has not been confirmed by published transcriptional studies. The current clinical and genetic evidence is not sufficient to establish whether loss-of-function variants in PLEKHM2 cause disease. In summary, the available evidence is currently insufficient to determine the role of this variant in disease. Therefore, it has been classified as a Variant of Uncertain Significance.